The following is an entry in ClinVar:

NM_000057.4(BLM):c.2460G>T (p.Lys820Asn)

Gene: BLM (BLM RecQ like helicase; plus strand). Cytogenetic location: 15q26.1.
Variant type: single nucleotide variant.
Coding change: c.2460G>T on transcript NM_000057.4 (MANE Select); coding-DNA position 2460, G replaced by T.
Protein change: p.Lys820Asn; replaces lysine 820 with asparagine.
Molecular consequence: missense variant.
Genome position (GRCh38, 1-based): chr15:90,769,491, G>T. VCF-style: chr15-90769491-G-T. GRCh37 (hg19) VCF-style: chr15-91312721-G-T.
Other names: c.2460G>T, p.Lys820Asn (NM_001287246.2, NM_001287247.2); c.1335G>T, p.Lys445Asn (NM_001287248.2); short protein forms K445N, K820N.
Identifiers: ClinVar variation 663378 (VCV000663378.11), dbSNP rs1596238751, ClinGen allele CA393845373.
Genomic context (GRCh38, chr15:90,769,491, plus strand): 5'-CAACTAGTGGGGACATGATTTTCGTCAAGATTACAAAAGAATGAATATGCTTCGCCAGAA[G>T]TTTCCTTCTGTTCCGGTGATGGCTCTTACGGCCACAGCTAATCCCAGGGTACAGAAGGAC-3'
Protein context (NP_000048.1, residues 810-830): DYKRMNMLRQ[Lys820Asn]FPSVPVMALT

ClinVar aggregate classification (germline): Uncertain significance. Review status: criteria provided, multiple submitters, no conflicts (2 of 4 stars). 2 submissions from 2 submitters: Uncertain significance (2). Last evaluated 2022-11-15.

Conditions:
Hereditary cancer-predisposing syndrome. Also called: Neoplastic Syndromes, Hereditary; Tumor predisposition; Hereditary neoplastic syndrome; Hereditary Cancer Syndrome. Identifiers: Orphanet 140162, MedGen C0027672, MeSH D009386, MONDO:0015356.
Bloom syndrome (BLM). Also called: Bloom-Torre-Machacek syndrome. Identifiers: Orphanet 125, MedGen C0005859, MONDO:0008876, OMIM 210900.

Submissions (2):

Labcorp Genetics (formerly Invitae), Labcorp
Classification: Uncertain significance for Bloom syndrome. Last evaluated: 2022-11-15. Review status: criteria provided, single submitter. Criteria: Invitae Variant Classification Sherloc (09022015). Collection method: clinical testing. Allele origin: germline.
Comment: In summary, the available evidence is currently insufficient to determine the role of this variant in disease. Therefore, it has been classified as a Variant of Uncertain Significance. ClinVar contains an entry for this variant (Variation ID: 663378). Advanced modeling of protein sequence and biophysical properties (such as structural, functional, and spatial information, amino acid conservation, physicochemical variation, residue mobility, and thermodynamic stability) performed at Invitae indicates that this missense variant is not expected to disrupt BLM protein function. This sequence change replaces lysine, which is basic and polar, with asparagine, which is neutral and polar, at codon 820 of the BLM protein (p.Lys820Asn). This variant is not present in population databases (gnomAD no frequency). This variant has not been reported in the literature in individuals affected with BLM-related conditions.

Ambry Genetics
Classification: Uncertain significance for Hereditary cancer-predisposing syndrome. Last evaluated: 2021-12-05. Review status: criteria provided, single submitter. Criteria: Ambry Variant Classification Scheme 2023. Collection method: clinical testing. Allele origin: germline.
Comment: The p.K820N variant (also known as c.2460G>T), located in coding exon 11 of the BLM gene, results from a G to T substitution at nucleotide position 2460. The lysine at codon 820 is replaced by asparagine, an amino acid with similar properties. This amino acid position is conserved. In addition, this alteration is predicted to be tolerated by in silico analysis. Since supporting evidence is limited at this time, the clinical significance of this alteration remains unclear.